The following is an entry in ClinVar:

ClinVar aggregate classification (germline): Uncertain significance (1 of 4 stars; one submission).

Allele frequency attached by ClinVar (database versions not stated): gnomAD 0.00001; TOPMed 0.00005; gnomAD exomes 0.00006; ESP Exome Variant Server 0.00008; 1000 Genomes Project 30x 0.00016.
gnomAD v4.1: 90 of 1,613,862 alleles (0.0056%); highest among the groups gnomAD compares: Middle Eastern, 0.033%; no homozygotes.

Submission:

Labcorp Genetics (formerly Invitae), Labcorp
Classification: Uncertain significance. Last evaluated: 2021-09-26. Review status: criteria provided, single submitter. Criteria: Invitae Variant Classification Sherloc (09022015). Collection method: clinical testing. Allele origin: germline.
Comment: This sequence change replaces valine with methionine at codon 209 of the GPD1 protein (p.Val209Met). The valine residue is moderately conserved and there is a small physicochemical difference between valine and methionine. This variant is present in population databases (rs376155208, ExAC 0.03%). This variant has not been reported in the literature in individuals affected with GPD1-related conditions. Algorithms developed to predict the effect of missense changes on protein structure and function (SIFT, PolyPhen-2, Align-GVGD) all suggest that this variant is likely to be tolerated. In summary, the available evidence is currently insufficient to determine the role of this variant in disease. Therefore, it has been classified as a Variant of Uncertain Significance.

NM_005276.4(GPD1):c.625G>A (p.Val209Met)

Gene: GPD1 (glycerol-3-phosphate dehydrogenase 1; plus strand). Cytogenetic location: 12q13.12.
Variant type: single nucleotide variant.
Coding change: c.625G>A on transcript NM_005276.4 (MANE Select); coding-DNA position 625, G replaced by A.
Protein change: p.Val209Met; replaces valine 209 with methionine.
Molecular consequence: missense variant.
Genome position (GRCh38, 1-based): chr12:50,107,579, G>A. VCF-style: chr12-50107579-G-A. GRCh37 (hg19) VCF-style: chr12-50501362-G-A.
Other names: c.556G>A, p.Val186Met (NM_001257199.2); short protein forms V186M, V209M.
Identifiers: ClinVar variation 1391619 (VCV001391619.3), dbSNP rs376155208, ClinGen allele CA6561718.